The following is an entry in ClinVar:

ClinVar aggregate classification (germline): Pathogenic (1 of 4 stars; one submission).

Conditions:
Melnick-Needles syndrome (MNS). Also called: MELNICK-NEEDLES OSTEODYSPLASTY; OSTEODYSPLASTY OF MELNICK AND NEEDLES; Melnick-Needles Syndrome (FLNA-MNS). Identifiers: Orphanet 2484, MedGen C0025237, MONDO:0010650, OMIM 309350.
Frontometaphyseal dysplasia (FMD1). Identifiers: Orphanet 1826, MedGen C0265293, MONDO:0015942.
Heterotopia, periventricular, X-linked dominant (PVNH1). Also called: PERIVENTRICULAR NODULAR HETEROTOPIA 1; X-linked periventricular heterotopia; PERIVENTRICULAR NODULAR HETEROTOPIA 4; HETEROTOPIA, PERIVENTRICULAR, 1. Identifiers: Orphanet 2149, Orphanet 82004, MedGen C1848213, MONDO:0010233, OMIM 300049.
Oto-palato-digital syndrome, type II (OPD2). Also called: FACIOPALATOOSSEOUS SYNDROME; OPD II SYNDROME; Otopalatodigital Syndrome, Type II; Otopalatodigital Syndrome Type 2 (FLNA-OPD2). Identifiers: Orphanet 669, Orphanet 90652, MedGen C1844696, MONDO:0010571, OMIM 304120.

Submission:

Labcorp Genetics (formerly Invitae), Labcorp
Classification: Pathogenic for Oto-palato-digital syndrome, type II; Heterotopia, periventricular, X-linked dominant; Frontometaphyseal dysplasia; Melnick-Needles syndrome. Last evaluated: 2024-07-24. Review status: criteria provided, single submitter. Criteria: Invitae Variant Classification Sherloc (09022015). Collection method: clinical testing. Allele origin: germline.
Comment: This sequence change creates a premature translational stop signal (p.Tyr791Thrfs*25) in the FLNA gene. It is expected to result in an absent or disrupted protein product. Loss-of-function variants in FLNA are known to be pathogenic (PMID: 16684786, 20730588, 26471271). This variant is not present in population databases (gnomAD no frequency). This variant has not been reported in the literature in individuals affected with FLNA-related conditions. For these reasons, this variant has been classified as Pathogenic.

Literature cited by the submitters: PubMed 16684786; PubMed 20730588; PubMed 26471271.

NM_001110556.2(FLNA):c.2371del (p.Tyr791fs)

Gene: FLNA (filamin A; minus strand). Cytogenetic location: Xq28.
Variant type: Deletion.
Coding change: c.2371del on transcript NM_001110556.2 (MANE Select); coding-DNA position 2371, one base deleted (T; older notation c.2371delT).
Protein change: p.Tyr791fs; shifts the reading frame from tyrosine 791.
Molecular consequence: frameshift variant.
Genome position (GRCh38, 1-based): chrX:154,362,694, A deleted on the plus strand (T on the coding strand, the reverse complement: FLNA is on the minus strand). VCF-style (leftmost placement, unchanged base first): chrX-154362693-TA-T. GRCh37 (hg19) VCF-style: chrX-153591061-TA-T.
Other names: c.2371del, p.Tyr791fs (NM_001456.4); short protein forms Y791fs.
Identifiers: ClinVar variation 3757380 (VCV003757380.2).